The following is an entry in ClinVar:

NM_145200.5(CABP4):c.139G>C (p.Gly47Arg)

Gene: CABP4 (calcium binding protein 4; plus strand). Cytogenetic location: 11q13.2.
Variant type: single nucleotide variant.
Coding change: c.139G>C on transcript NM_145200.5 (MANE Select); coding-DNA position 139, G replaced by C.
Protein change: p.Gly47Arg; replaces glycine 47 with arginine.
Molecular consequence: missense variant. On other transcripts: 5 prime UTR variant (2), non-coding transcript variant (1), intron variant (1).
Genome position (GRCh38, 1-based): chr11:67,455,562, G>C. VCF-style: chr11-67455562-G-C. GRCh37 (hg19) VCF-style: chr11-67223033-G-C.
Other names: c.-245G>C (NM_001300895.3); c.-259G>C (NM_001379183.1); c.-112-147G>C (NM_001300896.3); short protein forms G47R.
Identifiers: ClinVar variation 1933120 (VCV001933120.3), dbSNP rs778249055, ClinGen allele CA6140075.

ClinVar aggregate classification (germline): Uncertain significance (1 of 4 stars; one submission).

Allele frequency attached by ClinVar (database versions not stated): ExAC 0.00001.

Submission:

Labcorp Genetics (formerly Invitae), Labcorp
Classification: Uncertain significance. Last evaluated: 2022-05-10. Review status: criteria provided, single submitter. Criteria: Invitae Variant Classification Sherloc (09022015). Collection method: clinical testing. Allele origin: germline.
Comment: This sequence change replaces glycine, which is neutral and non-polar, with arginine, which is basic and polar, at codon 47 of the CABP4 protein (p.Gly47Arg). This variant is present in population databases (rs778249055, gnomAD 0.003%). This variant has not been reported in the literature in individuals affected with CABP4-related conditions. Algorithms developed to predict the effect of missense changes on protein structure and function output the following: SIFT: "Tolerated"; PolyPhen-2: "Benign"; Align-GVGD: "Class C0". The arginine amino acid residue is found in multiple mammalian species, which suggests that this missense change does not adversely affect protein function. In summary, the available evidence is currently insufficient to determine the role of this variant in disease. Therefore, it has been classified as a Variant of Uncertain Significance.